The following is an entry in ClinVar:

NM_001352027.3(PHF21A):c.782T>C (p.Ile261Thr)

Gene: PHF21A (PHD finger protein 21A; minus strand). Cytogenetic location: 11p11.2.
Variant type: single nucleotide variant.
Coding change: c.782T>C on transcript NM_001352027.3 (MANE Select); coding-DNA position 782, T replaced by C.
Protein change: p.Ile261Thr; replaces isoleucine 261 with threonine.
Molecular consequence: missense variant. On other transcripts: non-coding transcript variant (2).
Genome position (GRCh38, 1-based): chr11:45,965,529, A>G on the plus strand (T>C on the coding strand, the complement: PHF21A is on the minus strand). VCF-style: chr11-45965529-A-G. GRCh37 (hg19) VCF-style: chr11-45987080-A-G.
Other names: c.779T>C, p.Ile260Thr (NM_001101802.3, NM_001352030.3, NM_001352031.3 and 2 more transcripts); c.782T>C, p.Ile261Thr (NM_001352025.3, NM_001352026.3, NM_001352028.1 and 3 more transcripts); c.803T>C, p.Ile268Thr (NM_001441167.1, NM_001441168.1); c.800T>C, p.Ile267Thr (NM_001441169.1); c.530T>C, p.Ile177Thr (NM_001441172.1); short protein forms I177T, I260T, I261T, I267T, I268T.
Identifiers: ClinVar variation 4534412 (VCV004534412.6).
Genomic context (GRCh38, chr11:45,965,529, plus strand): 5'-GAATTCTGGGATGTGGGAAGGGTTGTGGGGGTGAACTTGGTCAGCATGACGGGCCTCTGG[A>G]TAAGCTGAGGAGCTGCGAGCATGGGAGGTGGTGCTGGGGCAATAGGAATGTTATTCTGGG-3'
Protein context (NP_001338956.1, residues 251-271): PPPMLAAPQL[Ile261Thr]QRPVMLTKFT

ClinVar aggregate classification (germline): Uncertain significance (1 of 4 stars; one submission).

Submission:

CeGaT Center for Human Genetics Tuebingen
Classification: Uncertain significance. Last evaluated: 2025-11-01. Review status: criteria provided, single submitter. Criteria: CeGaT Center For Human Genetics Tuebingen Variant Classification Criteria Version 2. Collection method: clinical testing. Allele origin: germline. Affected: yes. Observed: 1 variant allele.
Comment: PHF21A: PM2